The following is an entry in ClinVar:

NM_006939.4(SOS2):c.1844T>C (p.Met615Thr)

Gene: SOS2 (SOS Ras/Rho guanine nucleotide exchange factor 2; minus strand). Cytogenetic location: 14q21.3.
Variant type: single nucleotide variant.
Coding change: c.1844T>C on transcript NM_006939.4 (MANE Select); coding-DNA position 1844, T replaced by C.
Protein change: p.Met615Thr; replaces methionine 615 with threonine.
Molecular consequence: missense variant.
Genome position (GRCh38, 1-based): chr14:50,159,439, A>G on the plus strand (T>C on the coding strand, the complement: SOS2 is on the minus strand). VCF-style: chr14-50159439-A-G. GRCh37 (hg19) VCF-style: chr14-50626157-A-G.
Other names: c.1844T>C (NM_006939.2); c.1745T>C, p.Met582Thr (NM_001411020.1); short protein forms M582T, M615T.
Identifiers: ClinVar variation 2691412 (VCV002691412.4), dbSNP rs1337021769, ClinGen allele CA389644840.

ClinVar aggregate classification (germline): Uncertain significance. Review status: criteria provided, multiple submitters, no conflicts (2 of 4 stars). 4 submissions from 4 submitters: Uncertain significance (4). Last evaluated 2025-08-24.

Conditions:
Noonan syndrome 9 (NS9). Identifiers: Orphanet 648, MedGen C4225282, MONDO:0014691, OMIM 616559.
Cardiovascular phenotype. Identifiers: MedGen CN230736.

Allele frequency attached by ClinVar (database versions not stated): gnomAD exomes below 0.00001.
gnomAD v4.1: 1 of 1,604,402 alleles (0.000062%); highest among the groups gnomAD compares: Non-Finnish European, 0.000085%; no homozygotes.

Submissions (4):

Labcorp Genetics (formerly Invitae), Labcorp
Classification: Uncertain significance for Noonan syndrome 9. Last evaluated: 2025-08-24. Review status: criteria provided, single submitter. Criteria: Invitae Variant Classification Sherloc (09022015). Collection method: clinical testing. Allele origin: germline.
Comment: This sequence change replaces methionine, which is neutral and non-polar, with threonine, which is neutral and polar, at codon 615 of the SOS2 protein (p.Met615Thr). This variant is present in population databases (no rsID available, gnomAD 0.0009%). This variant has not been reported in the literature in individuals affected with SOS2-related conditions. ClinVar contains an entry for this variant (Variation ID: 2691412). Invitae Evidence Modeling of protein sequence and biophysical properties (such as structural, functional, and spatial information, amino acid conservation, physicochemical variation, residue mobility, and thermodynamic stability) indicates that this missense variant is not expected to disrupt SOS2 protein function with a negative predictive value of 95%. In summary, the available evidence is currently insufficient to determine the role of this variant in disease. Therefore, it has been classified as a Variant of Uncertain Significance.

Ambry Genetics
Classification: Uncertain significance for Cardiovascular phenotype. Last evaluated: 2025-06-09. Review status: criteria provided, single submitter. Criteria: Ambry Variant Classification Scheme 2023. Collection method: clinical testing. Allele origin: germline.
Comment: The p.M615T variant (also known as c.1844T>C), located in coding exon 10 of the SOS2 gene, results from a T to C substitution at nucleotide position 1844. The methionine at codon 615 is replaced by threonine, an amino acid with similar properties. This amino acid position is conserved. In addition, the in silico prediction for this alteration is inconclusive. Based on the available evidence, the clinical significance of this variant remains unclear.

Women's Health and Genetics/Laboratory Corporation of America, LabCorp
Classification: Uncertain significance. Last evaluated: 2023-12-26. Review status: criteria provided, single submitter. Criteria: LabCorp Variant Classification Summary - May 2015. Collection method: clinical testing. Allele origin: germline.

Blueprint Genetics
Classification: Uncertain significance. Last evaluated: 2022-01-06. Review status: criteria provided, single submitter. Criteria: ACMG Guidelines, 2015. Collection method: clinical testing. Allele origin: germline.